The following is an entry in ClinVar:

NM_001458.5(FLNC):c.535A>T (p.Thr179Ser)

Gene: FLNC (filamin C; plus strand). Cytogenetic location: 7q32.1.
Variant type: single nucleotide variant.
Coding change: c.535A>T on transcript NM_001458.5 (MANE Select); coding-DNA position 535, A replaced by T.
Protein change: p.Thr179Ser; replaces threonine 179 with serine.
Molecular consequence: missense variant.
Genome position (GRCh38, 1-based): chr7:128,835,508, A>T. VCF-style: chr7-128835508-A-T. GRCh37 (hg19) VCF-style: chr7-128475562-A-T.
Other names: c.535A>T, p.Thr179Ser (NM_001127487.2); short protein forms T179S.
Identifiers: ClinVar variation 2045845 (VCV002045845.4), dbSNP rs2536614764, ClinGen allele CA369219572.

ClinVar aggregate classification (germline): Uncertain significance (1 of 4 stars; one submission).

Conditions:
Hypertrophic cardiomyopathy 26. Also called: Cardiomyopathy, familial hypertrophic, 26. Identifiers: Orphanet 75249, MedGen C4310749, MONDO:0014883, OMIM 617047.
Myofibrillar myopathy 5. Also called: Filaminopathy (type); FILAMINOPATHY, AUTOSOMAL DOMINANT. Identifiers: Orphanet 171445, MedGen C1836050, MONDO:0012289, OMIM 609524.
Distal myopathy with posterior leg and anterior hand involvement. Also called: WILLIAMS DISTAL MYOPATHY. Identifiers: Orphanet 63273, MedGen C3279722, MONDO:0013550, OMIM 614065.

Submission:

Labcorp Genetics (formerly Invitae), Labcorp
Classification: Uncertain significance for Distal myopathy with posterior leg and anterior hand involvement; Myofibrillar myopathy 5; Hypertrophic cardiomyopathy 26. Last evaluated: 2021-12-18. Review status: criteria provided, single submitter. Criteria: Invitae Variant Classification Sherloc (09022015). Collection method: clinical testing. Allele origin: germline.
Comment: This variant is not present in population databases (gnomAD no frequency). This sequence change replaces threonine, which is neutral and polar, with serine, which is neutral and polar, at codon 179 of the FLNC protein (p.Thr179Ser). This variant has not been reported in the literature in individuals affected with FLNC-related conditions. Algorithms developed to predict the effect of missense changes on protein structure and function (SIFT, PolyPhen-2, Align-GVGD) all suggest that this variant is likely to be tolerated. In summary, the available evidence is currently insufficient to determine the role of this variant in disease. Therefore, it has been classified as a Variant of Uncertain Significance.